The following is an entry in ClinVar:

ClinVar aggregate classification (germline): Uncertain significance (1 of 4 stars; one submission).

Conditions:
VPS13B-related disorder. Also called: VPS13B-related condition.

gnomAD v4.1: 2 of 1,613,860 alleles (0.00012%); highest among the groups gnomAD compares: Admixed American, 0.0033%; no homozygotes.

Submission:

PreventionGenetics, part of Exact Sciences
Classification: Uncertain significance for VPS13B-related condition. Last evaluated: 2025-12-17. Review status: criteria provided, single submitter. Criteria: ACMG Guidelines, 2015. Collection method: clinical testing. Allele origin: germline.
Comment: The VPS13B c.9106G>T variant is predicted to result in the amino acid substitution p.Gly3036Cys. To our knowledge, this variant has not been reported in the literature. This variant is reported in 0.0058% of alleles in individuals of Latino descent in gnomAD. At this time, the clinical significance of this variant is uncertain due to the absence of conclusive functional and genetic evidence.

NM_152564.5(VPS13B):c.9106G>T (p.Gly3036Cys)

Gene: VPS13B (vacuolar protein sorting 13 homolog B; plus strand). Cytogenetic location: 8q22.2.
Variant type: single nucleotide variant.
Coding change: c.9106G>T on transcript NM_152564.5 (MANE Select); coding-DNA position 9106, G replaced by T.
Protein change: p.Gly3036Cys; replaces glycine 3036 with cysteine.
Molecular consequence: missense variant.
Genome position (GRCh38, 1-based): chr8:99,821,405, G>T. VCF-style: chr8-99821405-G-T. GRCh37 (hg19) VCF-style: chr8-100833633-G-T.
Other names: c.9181G>T, p.Gly3061Cys (NM_017890.5); short protein forms G3061C, G3036C.
Identifiers: ClinVar variation 4985321 (VCV004985321.1).